The following is an entry in ClinVar:

ClinVar aggregate classification (germline): Uncertain significance (1 of 4 stars; one submission).

gnomAD v4.1: 4 of 1,614,156 alleles (0.00025%); highest among the groups gnomAD compares: South Asian, 0.0044%; no homozygotes.

Submission:

GeneDx
Classification: Uncertain significance. Last evaluated: 2025-04-29. Review status: criteria provided, single submitter. Criteria: GeneDx Variant Classification Process June 2021. Collection method: clinical testing. Allele origin: germline. Affected: yes.
Comment: Not observed at significant frequency in large population cohorts (gnomAD); In silico analysis indicates that this missense variant does not alter protein structure/function; Has not been previously published as pathogenic or benign to our knowledge

NM_001148.6(ANK2):c.8879A>G (p.Tyr2960Cys)

Gene: ANK2 (ankyrin 2; plus strand). Cytogenetic location: 4q26.
Variant type: single nucleotide variant.
Coding change: c.8879A>G on transcript NM_001148.6 (MANE Select); coding-DNA position 8879, A replaced by G.
Protein change: p.Tyr2960Cys; replaces tyrosine 2960 with cysteine.
Molecular consequence: missense variant. On other transcripts: intron variant (68).
Genome position (GRCh38, 1-based): chr4:113,357,497, A>G. VCF-style: chr4-113357497-A-G. GRCh37 (hg19) VCF-style: chr4-114278653-A-G.
Other names: c.4412-3326A>G (NM_001386148.2, NM_001386186.2); c.4214-3326A>G (NM_001354269.3); c.4292-3326A>G (NM_001386187.2); c.4253-3326A>G (NM_001386147.1); c.4271-3326A>G (NM_001386160.1); c.4376-3326A>G (NM_001354254.2); c.4397-3326A>G (NM_001354239.2, NM_001354252.2); c.4298-3326A>G (NM_001354272.2); and 35 more; short protein forms Y1760C, Y2882C, Y2960C, Y2999C, Y3007C.
Identifiers: ClinVar variation 4527518 (VCV004527518.1).